The following is an entry in ClinVar:

ClinVar aggregate classification (germline): Likely pathogenic (1 of 4 stars; one submission).

Submission:

GeneDx
Classification: Likely pathogenic. Last evaluated: 2019-07-29. Review status: criteria provided, single submitter. Criteria: GeneDx Variant Classification Process June 2021. Collection method: clinical testing. Allele origin: germline. Affected: yes.
Comment: Not observed in large population cohorts (Lek et al., 2016); In silico analysis, which includes protein predictors and evolutionary conservation, supports a deleterious effect; Has not been previously published as pathogenic or benign to our knowledge

NM_001199107.2(TBC1D24):c.1187T>A (p.Ile396Asn)

Gene: TBC1D24 (TBC1 domain family member 24; plus strand). Cytogenetic location: 16p13.3.
Variant type: single nucleotide variant.
Coding change: c.1187T>A on transcript NM_001199107.2 (MANE Select); coding-DNA position 1187, T replaced by A.
Protein change: p.Ile396Asn; replaces isoleucine 396 with asparagine.
Molecular consequence: missense variant.
Genome position (GRCh38, 1-based): chr16:2,499,401, T>A. VCF-style: chr16-2499401-T-A. GRCh37 (hg19) VCF-style: chr16-2549402-T-A.
Other names: c.1169T>A, p.Ile390Asn (NM_020705.3); short protein forms I390N, I396N.
Identifiers: ClinVar variation 1188402 (VCV001188402.2), dbSNP rs2141875717, ClinGen allele CA394380032.